The following is an entry in ClinVar:

NM_001611.5(ACP5):c.71dup (p.Ala25fs)

Gene: ACP5 (acid phosphatase 5, tartrate resistant; minus strand). Cytogenetic location: 19p13.2.
Variant type: Duplication.
Coding change: c.71dup on transcript NM_001611.5 (MANE Select); coding-DNA position 71, one base duplicated (C; older notation c.71dupC).
Protein change: p.Ala25fs; shifts the reading frame from alanine 25.
Molecular consequence: frameshift variant.
Genome position (GRCh38, 1-based): chr19:11,577,247, G duplicated on the plus strand (C on the coding strand, the reverse complement: ACP5 is on the minus strand); the first of 4 consecutive G bases (chr19:11,577,247-11,577,250); duplicating any one gives the same sequence. VCF-style (leftmost placement, unchanged base first): chr19-11577246-A-AG. GRCh37 (hg19) VCF-style: chr19-11688061-A-AG.
Other names: c.71dup, p.Ala25fs (NM_001111034.3, NM_001111035.3, NM_001111036.3 and 5 more transcripts); short protein forms A25fs.
Identifiers: ClinVar variation 4765104 (VCV004765104.1).

ClinVar aggregate classification (germline): Pathogenic (1 of 4 stars; one submission).

Conditions:
Spondyloenchondrodysplasia with immune dysregulation (SPENCDI). Also called: COMBINED IMMUNODEFICIENCY WITH AUTOIMMUNITY AND SPONDYLOMETAPHYSEAL DYSPLASIA; ROIFMAN IMMUNOSKELETAL SYNDROME; SPONDYLOENCHONDRODYSPLASIA WITH OR WITHOUT IMMUNE DYSREGULATION. Identifiers: Orphanet 1855, MedGen C1842763, MONDO:0011939, OMIM 607944.

Submission:

Labcorp Genetics (formerly Invitae), Labcorp
Classification: Pathogenic for Spondyloenchondrodysplasia with immune dysregulation. Last evaluated: 2025-10-03. Review status: criteria provided, single submitter. Criteria: Invitae Variant Classification Sherloc (09022015). Collection method: clinical testing. Allele origin: germline.
Comment: This sequence change creates a premature translational stop signal (p.Ala25Cysfs*9) in the ACP5 gene. It is expected to result in an absent or disrupted protein product. Loss-of-function variants in ACP5 are known to be pathogenic (PMID: 21217752, 21217755). This variant is not present in population databases (gnomAD no frequency). This variant has not been reported in the literature in individuals affected with ACP5-related conditions. For these reasons, this variant has been classified as Pathogenic.

Literature cited by the submitters: PubMed 21217752; PubMed 21217755.